The following is an entry in ClinVar:

ClinVar aggregate classification (germline): Uncertain significance (1 of 4 stars; one submission).

Allele frequency attached by ClinVar (database versions not stated): gnomAD exomes below 0.00001.
gnomAD v4.1: 1 of 1,612,964 alleles (0.000062%); highest among the groups gnomAD compares: Non-Finnish European, 0.000085%; no homozygotes.

Submission:

Labcorp Genetics (formerly Invitae), Labcorp
Classification: Uncertain significance. Last evaluated: 2022-07-05. Review status: criteria provided, single submitter. Criteria: Invitae Variant Classification Sherloc (09022015). Collection method: clinical testing. Allele origin: germline.
Comment: In summary, the available evidence is currently insufficient to determine the role of this variant in disease. Therefore, it has been classified as a Variant of Uncertain Significance. Algorithms developed to predict the effect of missense changes on protein structure and function (SIFT, PolyPhen-2, Align-GVGD) all suggest that this variant is likely to be tolerated. ClinVar contains an entry for this variant (Variation ID: 1378995). This variant has not been reported in the literature in individuals affected with RBP4-related conditions. This variant is not present in population databases (gnomAD no frequency). This sequence change replaces glutamic acid, which is acidic and polar, with lysine, which is basic and polar, at codon 175 of the RBP4 protein (p.Glu175Lys).

NM_006744.4(RBP4):c.523G>A (p.Glu175Lys)

Gene: RBP4 (retinol binding protein 4; minus strand). Cytogenetic location: 10q23.33.
Variant type: single nucleotide variant.
Coding change: c.523G>A on transcript NM_006744.4 (MANE Select); coding-DNA position 523, G replaced by A.
Protein change: p.Glu175Lys; replaces glutamic acid 175 with lysine.
Molecular consequence: missense variant.
Genome position (GRCh38, 1-based): chr10:93,593,868, C>T on the plus strand (G>A on the coding strand, the complement: RBP4 is on the minus strand). VCF-style: chr10-93593868-C-T. GRCh37 (hg19) VCF-style: chr10-95353625-C-T.
Other names: c.523G>A, p.Glu175Lys (NM_001323517.1); c.517G>A, p.Glu173Lys (NM_001323518.2); short protein forms E173K, E175K.
Identifiers: ClinVar variation 1378995 (VCV001378995.6), dbSNP rs2134567584, ClinGen allele CA377614272.